The following is an entry in ClinVar:

NM_001206999.2(CIT):c.3402A>G (p.Ala1134=)

Gene: CIT (citron rho-interacting serine/threonine kinase; minus strand). Cytogenetic location: 12q24.23.
Variant type: single nucleotide variant.
Coding change: c.3402A>G on transcript NM_001206999.2 (MANE Select); coding-DNA position 3402, A replaced by G.
Protein change: p.Ala1134=; no amino-acid change (alanine 1134 retained).
Molecular consequence: synonymous variant.
Genome position (GRCh38, 1-based): chr12:119,730,579, T>C on the plus strand (A>G on the coding strand, the complement: CIT is on the minus strand). VCF-style: chr12-119730579-T-C. GRCh37 (hg19) VCF-style: chr12-120168384-T-C.
Other names: c.3276A>G, p.Ala1092= (NM_007174.3).
Identifiers: ClinVar variation 3025186 (VCV003025186.22), dbSNP rs1958381565, ClinGen allele CA482064282.

ClinVar aggregate classification (germline): Likely benign (1 of 4 stars; one submission).

Allele frequency attached by ClinVar (database versions not stated): gnomAD exomes 0.00001.
gnomAD v4.1: 4 of 1,614,172 alleles (0.00025%); highest among the groups gnomAD compares: South Asian, 0.0044%; no homozygotes.

Submission:

CeGaT Center for Human Genetics Tuebingen
Classification: Likely benign. Last evaluated: 2024-02-01. Review status: criteria provided, single submitter. Criteria: CeGaT Center For Human Genetics Tuebingen Variant Classification Criteria Version 2. Collection method: clinical testing. Allele origin: germline. Affected: yes. Observed: 1 variant allele.
Comment: CIT: PM2:Supporting, BP4, BP7